The following is an entry in ClinVar:

ClinVar aggregate classification (germline): Uncertain significance. Review status: criteria provided, multiple submitters, no conflicts (2 of 4 stars). 2 submissions from 2 submitters: Uncertain significance (2). Last evaluated 2022-06-20.

Allele frequency attached by ClinVar (database versions not stated): ExAC 0.00009.
gnomAD v4.1: 32 of 699,946 alleles (0.0046%); highest among the groups gnomAD compares: South Asian, 0.019%; no homozygotes.

Submissions (2):

Labcorp Genetics (formerly Invitae), Labcorp
Classification: Uncertain significance. Last evaluated: 2022-06-20. Review status: criteria provided, single submitter. Criteria: Invitae Variant Classification Sherloc (09022015). Collection method: clinical testing. Allele origin: germline.
Comment: In summary, the available evidence is currently insufficient to determine the role of this variant in disease. Therefore, it has been classified as a Variant of Uncertain Significance. Experimental studies and prediction algorithms are not available or were not evaluated, and the functional significance of this variant is currently unknown. This variant has not been reported in the literature in individuals affected with RNU4ATAC-related conditions. This variant is present in population databases (rs767236617, gnomAD 0.009%). This variant occurs in the RNU4ATAC gene, which encodes an RNA molecule that does not result in a protein product.

Blueprint Genetics
Classification: Uncertain significance. Last evaluated: 2019-09-16. Review status: criteria provided, single submitter. Criteria: ACMG Guidelines, 2015. Collection method: clinical testing. Allele origin: germline.

NC_000002.12:g.121530926T>C

Genes: CLASP1 (cytoplasmic linker associated protein 1; minus strand), CLASP1-AS1 (CLASP1 antisense RNA 1; plus strand), RNU4ATAC (RNA, U4atac small nuclear; plus strand). Cytogenetic location: 2q14.2.
Variant type: single nucleotide variant.
Molecular consequence: intron variant (on NM_001395891.1).
Genome position: GRCh38 VCF-style: chr2-121530926-T-C. GRCh37 (hg19) VCF-style: chr2-122288502-T-C.
Other names: c.196-601A>G (NM_001142274.2, NM_015282.3, NM_001378003.1 and 5 more transcripts).
Identifiers: ClinVar variation 1476470 (VCV001476470.5), dbSNP rs767236617, ClinGen allele CA1854702.
Genomic context (GRCh38, chr2:121,530,926, plus strand): 5'-GGACTTTCTATTATAACCATCCTTTTCTTGGGGTTGCGCTACTGTCCAATGAGCGCATAG[T>C]GAGGGCAGTACTGCTAACGCCTGAACAACACACCCGCATCAACTAGAGCTTTTGCTTTAT-3'